The following is an entry in ClinVar:

NM_012123.4(MTO1):c.1418G>A (p.Arg473His)

Gene: MTO1 (mitochondrial tRNA translation optimization 1; plus strand). Cytogenetic location: 6q13.
Variant type: single nucleotide variant.
Coding change: c.1418G>A on transcript NM_012123.4 (MANE Select); coding-DNA position 1418, G replaced by A.
Protein change: p.Arg473His; replaces arginine 473 with histidine.
Molecular consequence: missense variant.
Genome position (GRCh38, 1-based): chr6:73,482,197, G>A. VCF-style: chr6-73482197-G-A. GRCh37 (hg19) VCF-style: chr6-74191920-G-A.
Other names: c.1538G>A, p.Arg513His (NM_001123226.2); c.1493G>A, p.Arg498His (NM_133645.3); c.1538G>A (NM_001123226.1); short protein forms R498H, R473H, R513H.
Identifiers: ClinVar variation 1435769 (VCV001435769.4), dbSNP rs1472294844, ClinGen allele CA364717212.

ClinVar aggregate classification (germline): Uncertain significance. Review status: criteria provided, multiple submitters, no conflicts (2 of 4 stars). 2 submissions from 2 submitters: Uncertain significance (2). Last evaluated 2025-05-07.

Conditions:
Inborn genetic diseases. Identifiers: MedGen C0950123, MeSH D030342.
Mitochondrial hypertrophic cardiomyopathy with lactic acidosis due to MTO1 deficiency. Also called: Combined oxidative phosphorylation deficiency 10; CARDIOMYOPATHY, INFANTILE HYPERTROPHIC MITOCHONDRIAL, AND LACTIC ACIDOSIS. Identifiers: Orphanet 314637, MedGen C4749921, MONDO:0013865, OMIM 614702.

Allele frequency attached by ClinVar (database versions not stated): gnomAD 0.00002; TOPMed 0.00002; gnomAD exomes 0.00001 and 0.00002.
gnomAD v4.1: 26 of 1,613,992 alleles (0.0016%); highest among the groups gnomAD compares: East Asian, 0.0045%; no homozygotes.

Submissions (2):

Ambry Genetics
Classification: Uncertain significance for Inborn genetic diseases. Last evaluated: 2025-05-07. Review status: criteria provided, single submitter. Criteria: Ambry Variant Classification Scheme 2023. Collection method: clinical testing. Allele origin: germline.

Labcorp Genetics (formerly Invitae), Labcorp
Classification: Uncertain significance for Mitochondrial hypertrophic cardiomyopathy with lactic acidosis due to MTO1 deficiency. Last evaluated: 2022-06-03. Review status: criteria provided, single submitter. Criteria: Invitae Variant Classification Sherloc (09022015). Collection method: clinical testing. Allele origin: germline.
Comment: This sequence change replaces arginine, which is basic and polar, with histidine, which is basic and polar, at codon 473 of the MTO1 protein (p.Arg473His). This variant is present in population databases (no rsID available, gnomAD 0.002%). This variant has not been reported in the literature in individuals affected with MTO1-related conditions. ClinVar contains an entry for this variant (Variation ID: 1435769). Algorithms developed to predict the effect of missense changes on protein structure and function are either unavailable or do not agree on the potential impact of this missense change (SIFT: "Deleterious"; PolyPhen-2: "Probably Damaging"; Align-GVGD: "Class C0"). In summary, the available evidence is currently insufficient to determine the role of this variant in disease. Therefore, it has been classified as a Variant of Uncertain Significance.